The following is an entry in ClinVar:

NC_000019.9:g.(?_52714493)_(52729234_?)dup

Genes: PPP2R1A (protein phosphatase 2 scaffold subunit Aalpha; plus strand), ZNF83 (zinc finger protein 83; minus strand). Cytogenetic location: 19q13.41.
Variant type: Duplication.
Identifiers: ClinVar variation 1513327 (VCV001513327.4).

ClinVar aggregate classification (germline): Uncertain significance (1 of 4 stars; one submission).

Submission:

Labcorp Genetics (formerly Invitae), Labcorp
Classification: Uncertain significance. Last evaluated: 2021-08-02. Review status: criteria provided, single submitter. Criteria: Invitae Variant Classification Sherloc (09022015). Collection method: clinical testing. Allele origin: germline.
Comment: In summary, the available evidence is currently insufficient to determine the role of this variant in disease. Therefore, it has been classified as a Variant of Uncertain Significance. Experimental studies and prediction algorithms are not available or were not evaluated, and the functional significance of this variant is currently unknown. This variant has not been reported in the literature in individuals affected with PPP2R1A-related conditions. This variant results in a copy number gain of the genomic region encompassing exon(s) 4-15 of the PPP2R1A gene. The 5' boundary is likely confined to intron 3. The 3' end of this event is unknown as it extends beyond the assayed region for this gene and therefore may encompass additional genes. As the precise location of this event is unknown, it may be in tandem or it may be located elsewhere in the genome.